The following is an entry in ClinVar:

ClinVar aggregate classification (germline): Uncertain significance (1 of 4 stars; one submission).

Allele frequency attached by ClinVar (database versions not stated): gnomAD exomes below 0.00001; TOPMed below 0.00001.
gnomAD v4.1: 2 of 1,614,244 alleles (0.00012%); highest among the groups gnomAD compares: Non-Finnish European, 0.00017%; no homozygotes.

Submission:

Ambry Genetics
Classification: Uncertain significance. Last evaluated: 2022-08-23. Review status: criteria provided, single submitter. Criteria: Ambry Variant Classification Scheme 2023. Collection method: clinical testing. Allele origin: germline.
Comment: The p.E255G variant (also known as c.764A>G), located in coding exon 3 of the ALPK2 gene, results from an A to G substitution at nucleotide position 764. The glutamic acid at codon 255 is replaced by glycine, an amino acid with similar properties. This amino acid position is conserved. In addition, this alteration is predicted to be tolerated by in silico analysis. Since supporting evidence is limited at this time, the clinical significance of this alteration remains unclear.

NM_052947.4(ALPK2):c.764A>G (p.Glu255Gly)

Genes: ALPK2 (alpha kinase 2; minus strand), LOC114803473 (ALPK2 eExon liver enhancer; plus strand). Cytogenetic location: 18q21.31.
Variant type: single nucleotide variant.
Coding change: c.764A>G on transcript NM_052947.4 (MANE Select); coding-DNA position 764, A replaced by G.
Protein change: p.Glu255Gly; replaces glutamic acid 255 with glycine.
Molecular consequence: missense variant.
Genome position (GRCh38, 1-based): chr18:58,580,012, T>C on the plus strand (A>G on the coding strand, the complement: ALPK2 is on the minus strand). VCF-style: chr18-58580012-T-C. GRCh37 (hg19) VCF-style: chr18-56247244-T-C.
Other names: short protein forms E255G.
Identifiers: ClinVar variation 1759966 (VCV001759966.2), dbSNP rs2051948405, ClinGen allele CA402567259.
Genomic context (GRCh38, chr18:58,580,012, plus strand): 5'-GGGAGGCTGAAGCTAATGTATTTCTGTACTTTGGGATTTTGCTGACTAGAGCGTAAGCCT[T>C]CATCATGAGGACCATCATTGTTCAGGTCACCATCCGTGAACTTTGATGCCATGGAATGCA-3'
Protein context (NP_443179.3, residues 245-265): GDLNNDGPHD[Glu255Gly]GLRSSQQNPK